The following is an entry in ClinVar:

NC_000012.12:g.128846366A>C

Gene: GLT1D1 (glycosyltransferase 1 domain containing 1; plus strand). Cytogenetic location: 12q24.33.
Variant type: single nucleotide variant.
Genome position: GRCh38 VCF-style: chr12-128846366-A-C. GRCh37 (hg19) VCF-style: chr12-129330911-A-C.
Identifiers: ClinVar variation 2643588 (VCV002643588.24), dbSNP rs529937824, ClinGen allele CA245318129.
Genomic context (GRCh38, chr12:128,846,366, plus strand): 5'-GGGCCACTCTGCTGACACCGCGAGCTCGGACGTCTGTCCTCCAGAGGCGGAGGAAGGGCC[A>C]CTCTGCTGACACCGCGAGCTCGGACGTCTGTCCTCCAGAGCCGGAGGAAGGGCCCCTCTG-3'

ClinVar aggregate classification (germline): Likely benign (1 of 4 stars; one submission).

Allele frequency attached by ClinVar (database versions not stated): gnomAD 0.00330.

Submission:

CeGaT Center for Human Genetics Tuebingen
Classification: Likely benign. Last evaluated: 2023-01-01. Review status: criteria provided, single submitter. Criteria: CeGaT Center For Human Genetics Tuebingen Variant Classification Criteria Version 2. Collection method: clinical testing. Allele origin: germline. Affected: yes. Observed: 3 variant alleles.
Comment: GLT1D1: BS2